The following is an entry in ClinVar:

NM_001042517.2(DIAPH3):c.3260-5A>C

Gene: DIAPH3 (diaphanous related formin 3; minus strand). Cytogenetic location: 13q21.2.
Variant type: single nucleotide variant.
Coding change: c.3260-5A>C on transcript NM_001042517.2 (MANE Select); 5 bases into the intron before coding-DNA position 3260, A replaced by C.
Molecular consequence: intron variant.
Genome position (GRCh38, 1-based): chr13:59,774,253, T>G on the plus strand (A>C on the coding strand, the complement: DIAPH3 is on the minus strand). VCF-style: chr13-59774253-T-G. GRCh37 (hg19) VCF-style: chr13-60348387-T-G.
Other names: c.3050-5A>C (NM_001258368.2); c.3122-5A>C (NM_001258367.2); c.3227-5A>C (NM_001258366.2); c.3260-5A>C (NM_001258369.2); c.2471-5A>C (NM_030932.4).
Identifiers: ClinVar variation 4999560 (VCV004999560.1).

ClinVar aggregate classification (germline): Likely benign (1 of 4 stars; one submission).

Conditions:
DIAPH3-related disorder. Also called: DIAPH3-related condition.

Submission:

PreventionGenetics, part of Exact Sciences
Classification: Likely benign for DIAPH3-related condition. Last evaluated: 2024-11-27. Review status: criteria provided, single submitter. Criteria: ACMG Guidelines, 2015. Collection method: clinical testing. Allele origin: germline.
Comment: This variant is classified as likely benign based on ACMG/AMP sequence variant interpretation guidelines (Richards et al. 2015 PMID: 25741868, with internal and published modifications).